The following is an entry in ClinVar:

ClinVar aggregate classification (germline): Uncertain significance. Review status: criteria provided, multiple submitters, no conflicts (2 of 4 stars). 2 submissions from 2 submitters: Uncertain significance (2). Last evaluated 2024-04-01.

Conditions:
Hereditary cancer-predisposing syndrome. Also called: Tumor predisposition; Hereditary neoplastic syndrome; Neoplastic Syndromes, Hereditary; Hereditary Cancer Syndrome. Identifiers: Orphanet 140162, MedGen C0027672, MeSH D009386, MONDO:0015356.
Oligodontia-cancer predisposition syndrome. Also called: TOOTH AGENESIS-COLORECTAL CANCER SYNDROME. Identifiers: Orphanet 300576, MedGen C1837750, MONDO:0012075, OMIM 608615. Disease mechanism: loss of function.

Submissions (2):

Ambry Genetics
Classification: Uncertain significance for Hereditary cancer-predisposing syndrome. Last evaluated: 2024-04-01. Review status: criteria provided, single submitter. Criteria: Ambry Variant Classification Scheme 2023. Collection method: clinical testing. Allele origin: germline.
Comment: The p.R445S variant (also known as c.1335G>C), located in coding exon 5 of the AXIN2 gene, results from a G to C substitution at nucleotide position 1335. The arginine at codon 445 is replaced by serine, an amino acid with dissimilar properties. This amino acid position is conserved. In addition, this alteration is predicted to be deleterious by in silico analysis. Based on the available evidence, the clinical significance of this alteration remains unclear.

Labcorp Genetics (formerly Invitae), Labcorp
Classification: Uncertain significance for Oligodontia-cancer predisposition syndrome. Last evaluated: 2021-12-25. Review status: criteria provided, single submitter. Criteria: Invitae Variant Classification Sherloc (09022015). Collection method: clinical testing. Allele origin: germline.
Comment: This variant has not been reported in the literature in individuals affected with AXIN2-related conditions. In summary, the available evidence is currently insufficient to determine the role of this variant in disease. Therefore, it has been classified as a Variant of Uncertain Significance. Algorithms developed to predict the effect of missense changes on protein structure and function (SIFT, PolyPhen-2, Align-GVGD) all suggest that this variant is likely to be disruptive. This variant is not present in population databases (gnomAD no frequency). This sequence change replaces arginine, which is basic and polar, with serine, which is neutral and polar, at codon 445 of the AXIN2 protein (p.Arg445Ser).

NM_004655.4(AXIN2):c.1335G>C (p.Arg445Ser)

Gene: AXIN2 (axin 2; minus strand). Cytogenetic location: 17q24.1.
Variant type: single nucleotide variant.
Coding change: c.1335G>C on transcript NM_004655.4 (MANE Select); coding-DNA position 1335, G replaced by C.
Protein change: p.Arg445Ser; replaces arginine 445 with serine.
Molecular consequence: missense variant.
Genome position (GRCh38, 1-based): chr17:65,537,701, C>G on the plus strand (G>C on the coding strand, the complement: AXIN2 is on the minus strand). VCF-style: chr17-65537701-C-G. GRCh37 (hg19) VCF-style: chr17-63533819-C-G.
Other names: c.1335G>C, p.Arg445Ser (NM_001363813.1); short protein forms R445S.
Identifiers: ClinVar variation 2060726 (VCV002060726.5), dbSNP rs2144465684, ClinGen allele CA400677705.